The following is an entry in ClinVar:

NM_021147.5(CCNO):c.307C>T (p.Gln103Ter)

Genes: CCNO (cyclin O; minus strand), LOC129993895 (ATAC-STARR-seq lymphoblastoid silent region 16013; plus strand). Cytogenetic location: 5q11.2.
Variant type: single nucleotide variant.
Coding change: c.307C>T on transcript NM_021147.5 (MANE Select); coding-DNA position 307, C replaced by T.
Protein change: p.Gln103Ter; replaces glutamine 103 with a stop codon.
Molecular consequence: nonsense. On other transcripts: non-coding transcript variant (2).
Genome position (GRCh38, 1-based): chr5:55,233,217, G>A on the plus strand (C>T on the coding strand, the complement: CCNO is on the minus strand). VCF-style: chr5-55233217-G-A. GRCh37 (hg19) VCF-style: chr5-54529045-G-A.
Other names: c.307C>T (NM_021147.4); short protein forms Q103*.
Identifiers: ClinVar variation 1453435 (VCV001453435.13), dbSNP rs746493440, ClinGen allele CA3266811.

ClinVar aggregate classification (germline): Pathogenic. Review status: criteria provided, multiple submitters, no conflicts (2 of 4 stars). 5 submissions from 5 submitters: Pathogenic (5). Last evaluated 2026-07-28.

Conditions:
CCNO-related disorder. Also called: CCNO-related condition.
Primary ciliary dyskinesia 29. Also called: CILIARY DYSKINESIA, PRIMARY, 29, WITHOUT SITUS INVERSUS. Identifiers: Orphanet 244, MedGen C4014534, MONDO:0014378, OMIM 615872.
Primary ciliary dyskinesia. Also called: Ciliary dyskinesia. Identifiers: Orphanet 244, MedGen C0008780, MONDO:0016575, HP:0012265.

Allele frequency attached by ClinVar (database versions not stated): gnomAD 0.00003 and 0.00004; gnomAD exomes 0.00008; ExAC 0.00019.

Submissions (5):

PreventionGenetics, part of Exact Sciences
Classification: Pathogenic for CCNO-related condition. Last evaluated: 2026-07-28. Review status: criteria provided, single submitter. Criteria: ACMG Guidelines, 2015. Collection method: clinical testing. Allele origin: germline.
Comment: The CCNO c.307C>T variant is predicted to result in premature protein termination (p.Gln103*). This variant has been reported in the homozygous state in multiple individuals with primary ciliary dyskinesia (Fassad et al. 2020. PubMed ID: 31650533; Table S6, El Naofal et al. 2023. PubMed ID: 36703223). This variant is reported in 0.067% of alleles in individuals of European (Finnish) descent in gnomAD. Nonsense variants in CCNO are expected to be pathogenic. This variant is interpreted as pathogenic.

Department of Genetics, Sultan Qaboos University Hospital
Classification: Pathogenic for Primary ciliary dyskinesia. Last evaluated: 2025-08-15. Review status: criteria provided, single submitter. Criteria: ACMG Guidelines, 2015. Collection method: research. Allele origin: germline. Affected: yes.

Dubai Health Genomic Medicine Center, Dubai Health
Classification: Pathogenic for Ciliary dyskinesia. Last evaluated: 2024-10-04. Review status: criteria provided, single submitter. Criteria: ACMG Guidelines, 2015. Collection method: research. Allele origin: germline. Affected: yes.
Comment: PVS1, PM3, PM2

3billion
Classification: Pathogenic for Primary ciliary dyskinesia 29. Last evaluated: 2024-08-29. Review status: criteria provided, single submitter. Criteria: ACMG Guidelines, 2015. Collection method: clinical testing. Allele origin: germline. Affected: yes.
Comment: The variant is observed at an extremely low frequency in the gnomAD v4.0.0 dataset (total allele frequency: 0.002%). Predicted Consequence/Location: Stop-gained (nonsense): predicted to result in a loss or disruption of normal protein function through nonsense-mediated decay (NMD) or protein truncation. Multiple pathogenic variants are reported downstream of the variant. The variant has been reported at least twice as pathogenic without evidence for the classification (ClinVar ID: VCV001453435 /PMID: 31650533). Therefore, this variant is classified as Pathogenic according to the recommendation of ACMG/AMP guideline.

Labcorp Genetics (formerly Invitae), Labcorp
Classification: Pathogenic for Primary ciliary dyskinesia. Last evaluated: 2022-06-13. Review status: criteria provided, single submitter. Criteria: Invitae Variant Classification Sherloc (09022015). Collection method: clinical testing. Allele origin: germline.
Comment: For these reasons, this variant has been classified as Pathogenic. This premature translational stop signal has been observed in individual(s) with clinical features of primary ciliary dyskinesia (PMID: 31650533). This variant is present in population databases (rs746493440, gnomAD 0.07%). This sequence change creates a premature translational stop signal (p.Gln103*) in the CCNO gene. It is expected to result in an absent or disrupted protein product. Loss-of-function variants in CCNO are known to be pathogenic (PMID: 24747639).

Literature cited by the submitters: PubMed 31650533 (cited by 3billion and Labcorp Genetics (formerly Invitae), Labcorp); PubMed 24747639 (cited by Labcorp Genetics (formerly Invitae), Labcorp).